The following is an entry in ClinVar:

NM_001111.5(ADAR):c.502C>A (p.Pro168Thr)

Gene: ADAR (adenosine deaminase RNA specific; minus strand). Cytogenetic location: 1q21.3.
Variant type: single nucleotide variant.
Coding change: c.502C>A on transcript NM_001111.5 (MANE Select); coding-DNA position 502, C replaced by A.
Protein change: p.Pro168Thr; replaces proline 168 with threonine.
Molecular consequence: missense variant. On other transcripts: 5 prime UTR variant (6).
Genome position (GRCh38, 1-based): chr1:154,602,140, G>T on the plus strand (C>A on the coding strand, the complement: ADAR is on the minus strand). VCF-style: chr1-154602140-G-T. GRCh37 (hg19) VCF-style: chr1-154574616-G-T.
Other names: c.-384C>A (NM_001025107.3, NM_001193495.2, NM_001365046.1 and 3 more transcripts); c.529C>A, p.Pro177Thr (NM_001365045.1); c.502C>A, p.Pro168Thr (NM_015840.4, NM_015841.4, LRG_1212t1); short protein forms P168T, P177T.
Identifiers: ClinVar variation 651101 (VCV000651101.18), dbSNP rs1571111089, ClinGen allele CA342601904.
Genomic context (GRCh38, chr1:154,602,140, plus strand): 5'-CTTTCTGTAGCTTGCCCTTCTTTGCCAGGGAGTATAAAACTCGATTGATTTCTTTCTTCG[G>T]AGTCCCAAGTTTCCCAGACAGATCATGTGCTGTGGTGGCCTTCCCTTCCCCAAGCTCTTC-3'
Protein context (NP_001102.3, residues 158-178): AHDLSGKLGT[Pro168Thr]KKEINRVLYS

ClinVar aggregate classification (germline): Uncertain significance. Review status: criteria provided, multiple submitters, no conflicts (2 of 4 stars). 2 submissions from 2 submitters: Uncertain significance (2). Last evaluated 2025-05-01.

Conditions:
Aicardi-Goutieres syndrome 6 (AGS6). Identifiers: Orphanet 51, MedGen C3539013, MONDO:0014007, OMIM 615010.
Symmetrical dyschromatosis of extremities (DSH). Also called: DYSCHROMATOSIS SYMMETRICA HEREDITARIA 1; RETICULATE ACROPIGMENTATION OF DOHI; SYMMETRIC DYSCHROMATOSIS OF THE EXTREMITIES; Dyschromatosis symmetrica hereditaria. Identifiers: Orphanet 41, MedGen C0406775, MONDO:0007483, OMIM 127400.

Submissions (2):

CeGaT Center for Human Genetics Tuebingen
Classification: Uncertain significance. Last evaluated: 2025-05-01. Review status: criteria provided, single submitter. Criteria: CeGaT Center For Human Genetics Tuebingen Variant Classification Criteria Version 2. Collection method: clinical testing. Allele origin: germline. Affected: yes. Observed: 1 variant allele.
Comment: ADAR: PM2, BP4

Labcorp Genetics (formerly Invitae), Labcorp
Classification: Uncertain significance for Aicardi-Goutieres syndrome 6; Symmetrical dyschromatosis of extremities. Last evaluated: 2018-12-04. Review status: criteria provided, single submitter. Criteria: Invitae Variant Classification Sherloc (09022015). Collection method: clinical testing. Allele origin: germline.
Comment: This sequence change replaces proline with threonine at codon 168 of the ADAR protein (p.Pro168Thr). The proline residue is moderately conserved and there is a small physicochemical difference between proline and threonine. This variant is not present in population databases (ExAC no frequency). This variant has not been reported in the literature in individuals with ADAR-related conditions. Algorithms developed to predict the effect of missense changes on protein structure and function are either unavailable or do not agree on the potential impact of this missense change (SIFT: "Deleterious"; PolyPhen-2: "Benign"; Align-GVGD: "Class C0"). In summary, the available evidence is currently insufficient to determine the role of this variant in disease. Therefore, it has been classified as a Variant of Uncertain Significance.